The following is an entry in ClinVar:

NM_152564.5(VPS13B):c.9349A>G (p.Ser3117Gly)

Gene: VPS13B (vacuolar protein sorting 13 homolog B; plus strand). Cytogenetic location: 8q22.2.
Variant type: single nucleotide variant.
Coding change: c.9349A>G on transcript NM_152564.5 (MANE Select); coding-DNA position 9349, A replaced by G.
Protein change: p.Ser3117Gly; replaces serine 3117 with glycine.
Molecular consequence: missense variant.
Genome position (GRCh38, 1-based): chr8:99,832,387, A>G. VCF-style: chr8-99832387-A-G. GRCh37 (hg19) VCF-style: chr8-100844615-A-G.
Other names: c.9424A>G, p.Ser3142Gly (NM_017890.5); short protein forms S3117G.
Identifiers: ClinVar variation 95874 (VCV000095874.35), dbSNP rs113671330, ClinGen allele CA148982.

ClinVar aggregate classification (germline): Benign/Likely benign. Review status: criteria provided, multiple submitters, no conflicts (2 of 4 stars). 14 submissions from 14 submitters: Benign (7); Likely benign (4). 3 of the submissions do not count toward it. Last evaluated 2026-04-06.

Conditions:
Inborn genetic diseases. Identifiers: MedGen C0950123, MeSH D030342.
Cohen syndrome (COH1). Also called: PEPPER SYNDROME; Cutis verticis gyrata, retinitis pigmentosa, and sensorineural deafness. Identifiers: Orphanet 193, MedGen C0265223, MONDO:0008999, OMIM 216550.

Allele frequency attached by ClinVar (database versions not stated): gnomAD 0.00689 and 0.00608; gnomAD exomes 0.00931 and 0.00770; ESP Exome Variant Server 0.00431; 1000 Genomes Project 30x 0.00500; 1000 Genomes Project 0.00579; ExAC 0.01898; TOPMed 0.00413.
gnomAD v4.1: 10,625 of 1,382,896 alleles (0.77%); highest among the groups gnomAD compares: Middle Eastern, 3.2%; 104 homozygotes.

Submissions (14):

Women's Health and Genetics/Laboratory Corporation of America, LabCorp
Classification: Likely benign. Last evaluated: 2026-04-06. Review status: criteria provided, single submitter. Criteria: LabCorp Variant Classification Summary - May 2015. Collection method: clinical testing. Allele origin: germline.

Labcorp Genetics (formerly Invitae), Labcorp
Classification: Benign for Cohen syndrome. Last evaluated: 2026-02-04. Review status: criteria provided, single submitter. Criteria: Invitae Variant Classification Sherloc (09022015). Collection method: clinical testing. Allele origin: germline.

Blueprint Genetics
Classification: Likely benign. Last evaluated: 2024-11-27. Review status: criteria provided, single submitter. Criteria: ACMG Guidelines, 2015. Collection method: clinical testing. Allele origin: germline.

Genome-Nilou Lab
Classification: Likely benign for Cohen syndrome. Last evaluated: 2021-05-18. Review status: criteria provided, single submitter. Criteria: ACMG Guidelines, 2015. Collection method: clinical testing. Allele origin: germline. Affected: no.

Genetic Services Laboratory, University of Chicago
Classification: Benign. Last evaluated: 2019-01-17. Review status: criteria provided, single submitter. Criteria: ACMG Guidelines, 2015. Collection method: clinical testing. Allele origin: germline. Affected: no.

Mayo Clinic Laboratories, Mayo Clinic
Classification: Benign. Last evaluated: 2018-11-20. Review status: criteria provided, single submitter. Criteria: ACMG Guidelines, 2015. Collection method: clinical testing. Allele origin: germline. Observed: 19 variant alleles.

GeneDx
Classification: Benign. Last evaluated: 2018-08-28. Review status: criteria provided, single submitter. Criteria: GeneDx Variant Classification Process June 2021. Collection method: clinical testing. Allele origin: germline. Affected: yes.
Comment: This variant is associated with the following publications: (PMID: 16648375)

Illumina Laboratory Services, Illumina
Classification: Benign for Cohen syndrome. Last evaluated: 2018-01-13. Review status: criteria provided, single submitter. Criteria: ICSL Variant Classification Criteria 13 December 2019. Collection method: clinical testing. Allele origin: germline.
Comment: This variant was observed in the ICSL laboratory as part of a predisposition screen in an ostensibly healthy population. It had not been previously curated by ICSL or reported in the Human Gene Mutation Database (HGMD: prior to June 1st, 2018), and was therefore a candidate for classification through an automated scoring system. Utilizing variant allele frequency, disease prevalence and penetrance estimates, and inheritance mode, an automated score was calculated to assess if this variant is too frequent to cause the disease. Based on the score and internal cut-off values, a variant classified as benign is not then subjected to further curation. The score for this variant resulted in a classification of benign for this disease.

Ambry Genetics
Classification: Benign for Inborn genetic diseases. Last evaluated: 2017-09-22. Review status: criteria provided, single submitter. Criteria: Ambry Variant Classification Scheme 2023. Collection method: clinical testing. Allele origin: germline.

Eurofins Ntd Llc (ga)
Classification: Benign. Last evaluated: 2015-03-02. Review status: criteria provided, single submitter. Criteria: EGL Classification Definitions 2015. Collection method: clinical testing. Allele origin: germline. Observed: 5 variant alleles, 5 heterozygotes.

Breakthrough Genomics
Classification: Likely benign. Review status: criteria provided, single submitter. Criteria: ACMG Guidelines, 2015. Collection method: not provided. Allele origin: germline. Inheritance: Autosomal recessive inheritance. Affected: yes.

Natera, Inc.
Classification: Benign for Cohen syndrome. Last evaluated: 2019-12-30. Review status: no assertion criteria provided. Collection method: clinical testing. Allele origin: germline. Not counted in ClinVar's aggregate classification.

Clinical Genetics DNA and cytogenetics Diagnostics Lab, Erasmus MC, Erasmus Medical Center
Classification: Likely benign. Review status: no assertion criteria provided. Collection method: clinical testing. Allele origin: germline. Affected: yes. Study: VKGL Data-share Consensus. Not counted in ClinVar's aggregate classification.

Laboratory of Diagnostic Genome Analysis, Leiden University Medical Center (LUMC)
Classification: Likely benign. Review status: no assertion criteria provided. Collection method: clinical testing. Allele origin: germline. Affected: yes. Study: VKGL Data-share Consensus. Not counted in ClinVar's aggregate classification.